The following is an entry in ClinVar:

ClinVar aggregate classification (germline): Likely benign (1 of 4 stars; one submission).

Conditions:
PDE6A-related disorder. Also called: PDE6A-related condition.

gnomAD v4.1: 1 of 1,612,786 alleles (0.000062%); highest among the groups gnomAD compares: African/African-American, 0.0013%; no homozygotes.

Submission:

PreventionGenetics, part of Exact Sciences
Classification: Likely benign for PDE6A-related condition. Last evaluated: 2025-06-16. Review status: criteria provided, single submitter. Criteria: ACMG Guidelines, 2015. Collection method: clinical testing. Allele origin: germline.
Comment: This variant is classified as likely benign based on ACMG/AMP sequence variant interpretation guidelines (Richards et al. 2015 PMID: 25741868, with internal and published modifications).

NM_000440.3(PDE6A):c.999-8C>T

Gene: PDE6A (phosphodiesterase 6A; minus strand). Cytogenetic location: 5q32.
Variant type: single nucleotide variant.
Coding change: c.999-8C>T on transcript NM_000440.3 (MANE Select); 8 bases into the intron before coding-DNA position 999, C replaced by T.
Molecular consequence: intron variant.
Genome position (GRCh38, 1-based): chr5:149,907,386, G>A on the plus strand (C>T on the coding strand, the complement: PDE6A is on the minus strand). VCF-style: chr5-149907386-G-A. GRCh37 (hg19) VCF-style: chr5-149286949-G-A.
Other names: c.756-8C>T (NM_001410788.1).
Identifiers: ClinVar variation 4988704 (VCV004988704.1).